The following is an entry in ClinVar:

NM_000155.4(GALT):c.650T>C (p.Leu217Pro)

Gene: GALT (galactose-1-phosphate uridylyltransferase; plus strand). Cytogenetic location: 9p13.3.
Variant type: single nucleotide variant.
Coding change: c.650T>C on transcript NM_000155.4 (MANE Select); coding-DNA position 650, T replaced by C.
Protein change: p.Leu217Pro; replaces leucine 217 with proline.
Molecular consequence: missense variant.
Genome position (GRCh38, 1-based): chr9:34,648,419, T>C. VCF-style: chr9-34648419-T-C. GRCh37 (hg19) VCF-style: chr9-34648416-T-C.
Other names: c.323T>C, p.Leu108Pro (NM_001258332.2); short protein forms L108P.
Identifiers: ClinVar variation 25236 (VCV000025236.10), dbSNP rs111033741, ClinGen allele CA259464.

ClinVar aggregate classification (germline): Pathogenic/Likely pathogenic. Review status: criteria provided, multiple submitters, no conflicts (2 of 4 stars). 3 submissions from 3 submitters: Pathogenic (1); Likely pathogenic (1). 1 of the submissions does not count toward it. Last evaluated 2024-12-18.

Conditions:
Deficiency of UDPglucose-hexose-1-phosphate uridylyltransferase. Also called: GALT deficiency; Galactosemia, classic; Transferase Deficiency Galactosemia; GALACTOSEMIA I; GALACTOSE-1-PHOSPHATE URIDYLYLTRANSFERASE DEFICIENCY. Identifiers: Orphanet 352, Orphanet 79239, MedGen C0268151, MONDO:0009258, OMIM 230400.

Submissions (3):

Genomic Medicine Center of Excellence, King Faisal Specialist Hospital and Research Centre
Classification: Pathogenic for Deficiency of UDPglucose-hexose-1-phosphate uridylyltransferase. Last evaluated: 2024-12-18. Review status: criteria provided, single submitter. Criteria: ACMG Guidelines, 2015. Collection method: clinical testing. Allele origin: germline.

Labcorp Genetics (formerly Invitae), Labcorp
Classification: Likely pathogenic for Deficiency of UDPglucose-hexose-1-phosphate uridylyltransferase. Last evaluated: 2022-04-12. Review status: criteria provided, single submitter. Criteria: Invitae Variant Classification Sherloc (09022015). Collection method: clinical testing. Allele origin: germline.
Comment: In summary, the currently available evidence indicates that the variant is pathogenic, but additional data are needed to prove that conclusively. Therefore, this variant has been classified as Likely Pathogenic. Advanced modeling of protein sequence and biophysical properties (such as structural, functional, and spatial information, amino acid conservation, physicochemical variation, residue mobility, and thermodynamic stability) performed at Invitae indicates that this missense variant is expected to disrupt GALT protein function. ClinVar contains an entry for this variant (Variation ID: 25236). This missense change has been observed in individual(s) with galactose-1-phosphate uridylyltransferase deficiency (PMID: 10408771; Invitae). In at least one individual the data is consistent with being in trans (on the opposite chromosome) from a pathogenic variant. This variant is not present in population databases (gnomAD no frequency). This sequence change replaces leucine, which is neutral and non-polar, with proline, which is neutral and non-polar, at codon 217 of the GALT protein (p.Leu217Pro).

Biochemical Molecular Genetic Laboratory, King Abdulaziz Medical City
Classification: Pathogenic for Deficiency of UDPglucose-hexose-1-phosphate uridylyltransferase. Last evaluated: 2019-09-26. Review status: no assertion criteria provided. Collection method: clinical testing. Allele origin: germline. Affected: yes. Not counted in ClinVar's aggregate classification.

Literature cited by the submitters: PubMed 10408771 (cited by Labcorp Genetics (formerly Invitae), Labcorp).